The following is an entry in ClinVar:

NM_006767.4(LZTR1):c.1162A>T (p.Arg388Trp)

Gene: LZTR1 (leucine zipper like post translational regulator 1; plus strand). Cytogenetic location: 22q11.21.
Variant type: single nucleotide variant.
Coding change: c.1162A>T on transcript NM_006767.4 (MANE Select); coding-DNA position 1162, A replaced by T.
Protein change: p.Arg388Trp; replaces arginine 388 with tryptophan.
Molecular consequence: missense variant.
Genome position (GRCh38, 1-based): chr22:20,992,806, A>T. VCF-style: chr22-20992806-A-T. GRCh37 (hg19) VCF-style: chr22-21347095-A-T.
Other names: short protein forms R388W.
Identifiers: ClinVar variation 3990866 (VCV003990866.1).

ClinVar aggregate classification (germline): Uncertain significance (1 of 4 stars; one submission).

Conditions:
Cardiovascular phenotype. Identifiers: MedGen CN230736.
Hereditary cancer-predisposing syndrome. Also called: Tumor predisposition; Hereditary neoplastic syndrome; Neoplastic Syndromes, Hereditary; Hereditary Cancer Syndrome. Identifiers: Orphanet 140162, MedGen C0027672, MeSH D009386, MONDO:0015356.

Submission:

Ambry Genetics
Classification: Uncertain significance for Cardiovascular phenotype; Hereditary cancer-predisposing syndrome. Last evaluated: 2025-04-08. Review status: criteria provided, single submitter. Criteria: Ambry Variant Classification Scheme 2023. Collection method: clinical testing. Allele origin: germline.
Comment: The p.R388W variant (also known as c.1162A>T), located in coding exon 11 of the LZTR1 gene, results from an A to T substitution at nucleotide position 1162. The arginine at codon 388 is replaced by tryptophan, an amino acid with dissimilar properties. This amino acid position is conserved. In addition, this alteration is predicted to be deleterious by in silico analysis. Based on the available evidence, the clinical significance of this variant remains unclear.